The following is an entry in ClinVar:

ClinVar aggregate classification (germline): Uncertain significance. Review status: criteria provided, multiple submitters, no conflicts (2 of 4 stars). 3 submissions from 3 submitters: Uncertain significance (2). 1 of the submissions does not count toward it. Last evaluated 2026-05-08.

Conditions:
Diamond-Blackfan anemia. Also called: Blackfan Diamond syndrome; Aregenerative anemia chronic congenital; Red cell aplasia, pure hereditary; Congenital hypoplastic anemia; Aase syndrome. Identifiers: Orphanet 124, MedGen C1260899, MeSH D029503, MONDO:0015253, HP:0004810.
RPL17-related condition.

Allele frequency attached by ClinVar (database versions not stated): ExAC 0.00002.
gnomAD v4.1: 64 of 1,613,280 alleles (0.004%); highest among the groups gnomAD compares: Non-Finnish European, 0.0047%; no homozygotes.

Submissions (3):

PreventionGenetics, part of Exact Sciences
Classification: Uncertain significance for RPL17-related condition. Last evaluated: 2026-05-08. Review status: criteria provided, single submitter. Criteria: ACMG Guidelines, 2015. Collection method: clinical testing. Allele origin: germline.
Comment: The RPL17 c.167A>T variant is predicted to result in the amino acid substitution p.Gln56Leu. This variant has been reported in the heterozygous state in an individual with Diamond-Blackfan anemia (Fellmann et al. 2024. PubMed ID: 39088281). This variant is reported in 0.0054% of alleles in individuals of European (Non-Finnish) descent in gnomAD. At this time, the clinical significance of this variant is uncertain due to the absence of conclusive functional and genetic evidence.

Ambry Genetics
Classification: Uncertain significance. Last evaluated: 2024-02-27. Review status: criteria provided, single submitter. Criteria: Ambry Variant Classification Scheme 2023. Collection method: clinical testing. Allele origin: germline.

Advanced Center For Translational And Genetic Medicine, Ann & Robert H. Lurie Children's Hospital Of Chicago
Classification: Likely benign for Diamond-Blackfan anemia. Last evaluated: 2024-04-26. Review status: no assertion criteria provided. Collection method: research. Allele origin: unknown, not applicable. Affected: yes. Observed: 1 heterozygote. Not counted in ClinVar's aggregate classification.

Literature cited by the submitters: PubMed 39088281 (cited by Advanced Center For Translational And Genetic Medicine, Ann & Robert H. Lurie Children's Hospital Of Chicago).

NM_001035006.5(RPL17):c.167A>T (p.Gln56Leu)

Genes: RPL17 (ribosomal protein L17; minus strand), RPL17-C18orf32 (RPL17-C18orf32 readthrough; minus strand). Cytogenetic location: 18q21.1.
Variant type: single nucleotide variant.
Coding change: c.167A>T on transcript NM_001035006.5 (MANE Select); coding-DNA position 167, A replaced by T.
Protein change: p.Gln56Leu; replaces glutamine 56 with leucine.
Molecular consequence: missense variant.
Genome position (GRCh38, 1-based): chr18:49,490,842, T>A on the plus strand (A>T on the coding strand, the complement: RPL17 is on the minus strand). VCF-style: chr18-49490842-T-A. GRCh37 (hg19) VCF-style: chr18-47017212-T-A.
Other names: c.167A>T, p.Gln56Leu (NM_001199355.1, NM_000985.5, NM_001199340.2 and 7 more transcripts); c.53A>T, p.Gln18Leu (NM_001199356.2, NM_001199345.2, NM_001369562.1 and 1 more transcripts); c.182A>T, p.Gln61Leu (NM_001369555.1); c.137A>T, p.Gln46Leu (NM_001369560.1, NM_001369561.1); c.167A>T (NM_001199342.1); short protein forms Q18L, Q56L, Q61L, Q46L.
Identifiers: ClinVar variation 3156043 (VCV003156043.3), dbSNP rs753489644, ClinGen allele CA8958785.